The following is an entry in ClinVar:

ClinVar aggregate classification (germline): Uncertain significance (1 of 4 stars; one submission).

Conditions:
Hereditary breast ovarian cancer syndrome. Also called: BRCA1- and BRCA2-Associated Hereditary Breast and Ovarian Cancer; Hereditary breast and/or ovarian cancer syndrome; Hereditary breast and ovarian cancer syndrome; Hereditary breast and ovarian cancer syndrome (HBOC); Breast and ovarian cancer; Hereditary breast and ovarian cancer. Identifiers: Orphanet 145, MedGen C0677776, MeSH D061325, MONDO:0003582. Disease mechanism: loss of function.

Submission:

Labcorp Genetics (formerly Invitae), Labcorp
Classification: Uncertain significance for Hereditary breast ovarian cancer syndrome. Last evaluated: 2024-08-19. Review status: criteria provided, single submitter. Criteria: Invitae Variant Classification Sherloc (09022015). Collection method: clinical testing. Allele origin: germline.
Comment: This variant, c.4656_4657insGAAACTAGTGAA, results in the insertion of 4 amino acid(s) of the BRCA2 protein (p.Gly1552_Thr1553insGluThrSerGlu), but otherwise preserves the integrity of the reading frame. This variant is not present in population databases (gnomAD no frequency). This variant has not been reported in the literature in individuals affected with BRCA2-related conditions. In summary, the available evidence is currently insufficient to determine the role of this variant in disease. Therefore, it has been classified as a Variant of Uncertain Significance.

NM_000059.4(BRCA2):c.4656_4657insGAAACTAGTGAA (p.Gly1552_Thr1553insGluThrSerGlu)

Gene: BRCA2 (BRCA2 DNA repair associated; plus strand). Cytogenetic location: 13q13.1.
Variant type: Insertion.
Coding change: c.4656_4657insGAAACTAGTGAA on transcript NM_000059.4 (MANE Select); coding-DNA positions 4656 to 4657, GAAACTAGTGAA inserted.
Protein change: p.Gly1552_Thr1553insGluThrSerGlu.
Molecular consequence: non-coding transcript variant (on NR_176251.1). On other transcripts: intron variant (2).
Genome position: GRCh38 VCF-style: chr13-32339011-T-TGAAACTAGTGAA. GRCh37 (hg19) VCF-style: chr13-32913148-T-TGAAACTAGTGAA.
Other names: c.4656_4657insGAAACTAGTGAA, p.Gly1552_Thr1553insGluThrSerGlu (NM_001406719.1, NM_001406720.1, NM_001432077.1); c.1910-5547_1910-5546insGAAACTAGTGAA (NM_001406721.1); c.425-5547_425-5546insGAAACTAGTGAA (NM_001406722.1).
Identifiers: ClinVar variation 3670496 (VCV003670496.2).